The following is an entry in ClinVar:

ClinVar aggregate classification (germline): Conflicting classifications of pathogenicity. Review status: criteria provided, conflicting classifications (1 of 4 stars). 9 submissions from 9 submitters: Uncertain significance (7); Likely benign (1). 1 of the submissions does not count toward it. Last evaluated 2025-12-22.

Conditions:
Cardiovascular phenotype. Identifiers: MedGen CN230736.
Alstrom syndrome (ALMS). Identifiers: Orphanet 64, MedGen C0268425, MONDO:0008763, OMIM 203800.

Allele frequency attached by ClinVar (database versions not stated): gnomAD exomes 0.00004 and 0.00012; ExAC 0.00010; 1000 Genomes Project 30x 0.00016; ESP Exome Variant Server 0.00017; 1000 Genomes Project 0.00020; gnomAD 0.00029 and 0.00032; TOPMed 0.00040.
gnomAD v4.1: 105 of 1,614,150 alleles (0.0065%); highest among the groups gnomAD compares: African/African-American, 0.13%; no homozygotes.

Submissions (9):

Clinical Genomics Laboratory, Washington University in St. Louis
Classification: Uncertain significance for Alstrom syndrome. Last evaluated: 2025-12-22. Review status: criteria provided, single submitter. Criteria: ACMG Guidelines, 2015. Collection method: clinical testing. Allele origin: germline.
Comment: An ALMS1 c.8453C>T (p.Thr2818Ile) variant was identified in a heterozygous state. This variant, to our knowledge, has not been reported in the medical literature in individuals with cardiomyopathy. It has been reported in the ClinVar database as a germline variant of uncertain significance by several submitters and likely benign by one submitter (Variation ID: 210132). This variant is observed on 45/280,592 alleles in the general population (gnomAD v2.1.1). Computational predictors suggest that the variant does not impact ALMS1 function. Due to limited information, and based on ACMG/AMP guidelines for variant interpretation (Richards S et al., PMID: 25741868), the clinical significance of this variant is uncertain at this time.

GeneDx
Classification: Uncertain significance. Last evaluated: 2025-09-22. Review status: criteria provided, single submitter. Criteria: GeneDx Variant Classification Process June 2021. Collection method: clinical testing. Allele origin: germline. Affected: yes.
Comment: Has not been previously published as pathogenic or benign to our knowledge; In silico analysis supports that this missense variant has a deleterious effect on protein structure/function

Women's Health and Genetics/Laboratory Corporation of America, LabCorp
Classification: Uncertain significance. Last evaluated: 2024-12-23. Review status: criteria provided, single submitter. Criteria: LabCorp Variant Classification Summary - May 2015. Collection method: clinical testing. Allele origin: germline.

Labcorp Genetics (formerly Invitae), Labcorp
Classification: Uncertain significance for Alstrom syndrome. Last evaluated: 2022-10-26. Review status: criteria provided, single submitter. Criteria: Invitae Variant Classification Sherloc (09022015). Collection method: clinical testing. Allele origin: germline.
Comment: This sequence change replaces threonine, which is neutral and polar, with isoleucine, which is neutral and non-polar, at codon 2819 of the ALMS1 protein (p.Thr2819Ile). This variant is present in population databases (rs373211307, gnomAD 0.2%). This variant has not been reported in the literature in individuals affected with ALMS1-related conditions. ClinVar contains an entry for this variant (Variation ID: 210132). Experimental studies and prediction algorithms are not available or were not evaluated, and the functional significance of this variant is currently unknown. In summary, the available evidence is currently insufficient to determine the role of this variant in disease. Therefore, it has been classified as a Variant of Uncertain Significance.

Ambry Genetics
Classification: Likely benign for Cardiovascular phenotype. Last evaluated: 2022-05-05. Review status: criteria provided, single submitter. Criteria: Ambry Variant Classification Scheme 2023. Collection method: clinical testing. Allele origin: germline.

Blueprint Genetics
Classification: Uncertain significance. Last evaluated: 2022-03-29. Review status: criteria provided, single submitter. Criteria: ACMG Guidelines, 2015. Collection method: clinical testing. Allele origin: germline.

Eurofins Ntd Llc (ga)
Classification: Uncertain significance. Last evaluated: 2016-05-20. Review status: criteria provided, single submitter. Criteria: EGL Classification Definitions 2015. Collection method: clinical testing. Allele origin: germline. Observed: 1 variant allele, 1 heterozygote.

Genetic Services Laboratory, University of Chicago
Classification: Uncertain significance. Last evaluated: 2015-07-16. Review status: criteria provided, single submitter. Criteria: ACMG Guidelines, 2015. Collection method: clinical testing. Allele origin: germline.

Natera, Inc.
Classification: Uncertain significance for Alstrom syndrome. Last evaluated: 2020-03-10. Review status: no assertion criteria provided. Collection method: clinical testing. Allele origin: germline. Not counted in ClinVar's aggregate classification.

NM_001378454.1(ALMS1):c.8453C>T (p.Thr2818Ile)

Gene: ALMS1 (ALMS1 centrosome and basal body associated protein; plus strand). Cytogenetic location: 2p13.1.
Variant type: single nucleotide variant.
Coding change: c.8453C>T on transcript NM_001378454.1 (MANE Select); coding-DNA position 8453, C replaced by T.
Protein change: p.Thr2818Ile; replaces threonine 2818 with isoleucine.
Molecular consequence: missense variant.
Genome position (GRCh38, 1-based): chr2:73,490,412, C>T. VCF-style: chr2-73490412-C-T. GRCh37 (hg19) VCF-style: chr2-73717539-C-T.
Other names: c.8456C>T, p.Thr2819Ile (NM_015120.4); short protein forms T2819I, T2818I.
Identifiers: ClinVar variation 210132 (VCV000210132.23), dbSNP rs373211307, ClinGen allele CA208029.